The following is an entry in ClinVar:

ClinVar aggregate classification (germline): Uncertain significance (1 of 4 stars; one submission).

Conditions:
Arrhythmogenic right ventricular dysplasia 9 (ARVD9). Also called: Arrhythmogenic Right Ventricular Dysplasia/Cardiomyopathy 9; ARRHYTHMOGENIC RIGHT VENTRICULAR DYSPLASIA, FAMILIAL, 9. Identifiers: MedGen C1836906, MONDO:0012180, OMIM 609040.

gnomAD v4.1: 1 of 1,614,040 alleles (0.000062%); highest among the groups gnomAD compares: Non-Finnish European, 0.000085%; no homozygotes.

Submission:

Labcorp Genetics (formerly Invitae), Labcorp
Classification: Uncertain significance for Arrhythmogenic right ventricular dysplasia 9. Last evaluated: 2024-02-17. Review status: criteria provided, single submitter. Criteria: Invitae Variant Classification Sherloc (09022015). Collection method: clinical testing. Allele origin: germline.
Comment: This sequence change replaces serine, which is neutral and polar, with arginine, which is basic and polar, at codon 297 of the PKP2 protein (p.Ser297Arg). This variant is not present in population databases (gnomAD no frequency). This variant has not been reported in the literature in individuals affected with PKP2-related conditions. ClinVar contains an entry for this variant (Variation ID: 1400473). An algorithm developed to predict the effect of missense changes on protein structure and function (PolyPhen-2) suggests that this variant is likely to be disruptive. In summary, the available evidence is currently insufficient to determine the role of this variant in disease. Therefore, it has been classified as a Variant of Uncertain Significance.

NM_001005242.3(PKP2):c.891C>G (p.Ser297Arg)

Gene: PKP2 (plakophilin 2; minus strand). Cytogenetic location: 12p11.21.
Variant type: single nucleotide variant.
Coding change: c.891C>G on transcript NM_001005242.3 (MANE Select); coding-DNA position 891, C replaced by G.
Protein change: p.Ser297Arg; replaces serine 297 with arginine.
Molecular consequence: missense variant.
Genome position (GRCh38, 1-based): chr12:32,877,989, G>C on the plus strand (C>G on the coding strand, the complement: PKP2 is on the minus strand). VCF-style: chr12-32877989-G-C. GRCh37 (hg19) VCF-style: chr12-33030923-G-C.
Other names: c.891C>G, p.Ser297Arg (NM_004572.4); short protein forms S297R.
Identifiers: ClinVar variation 1400473 (VCV001400473.8), dbSNP rs2137947060, ClinGen allele CA384362080.